The following is an entry in ClinVar:

ClinVar aggregate classification (germline): Likely benign. Review status: criteria provided, multiple submitters, no conflicts (2 of 4 stars). 3 submissions from 3 submitters: Likely benign (3). Last evaluated 2025-10-02.

Conditions:
Developmental and epileptic encephalopathy, 42 (DEE42A). Also called: Epileptic encephalopathy, early infantile, 42; DEVELOPMENTAL AND EPILEPTIC ENCEPHALOPATHY 42A; EPILEPTIC ENCEPHALOPATHY, EARLY INFANTILE, 42A. Identifiers: MedGen C4310716, MONDO:0014917, OMIM 617106.
Episodic ataxia type 2 (EA2). Also called: ACETAZOLAMIDE-RESPONSIVE HEREDITARY PAROXYSMAL CEREBELLAR ATAXIA; ATAXIA, EPISODIC, WITH NYSTAGMUS; ATAXIA, FAMILIAL PAROXYSMAL; CEREBELLAR ATAXIA, PAROXYSMAL, ACETAZOLAMIDE-RESPONSIVE; CEREBELLOPATHY, HEREDITARY PAROXYSMAL; EPISODIC ATAXIA, NYSTAGMUS-ASSOCIATED. Identifiers: Orphanet 97, MedGen C1720416, MONDO:0007163, OMIM 108500.

Allele frequency attached by ClinVar (database versions not stated): TOPMed 0.00001; gnomAD 0.00002; gnomAD exomes 0.00002 and 0.00003; ExAC 0.00004.
gnomAD v4.1: 36 of 1,604,722 alleles (0.0022%); highest among the groups gnomAD compares: Admixed American, 0.0086%; no homozygotes.

Submissions (3):

Labcorp Genetics (formerly Invitae), Labcorp
Classification: Likely benign for Developmental and epileptic encephalopathy, 42; Episodic ataxia type 2. Last evaluated: 2025-10-02. Review status: criteria provided, single submitter. Criteria: Invitae Variant Classification Sherloc (09022015). Collection method: clinical testing. Allele origin: germline.

CeGaT Center for Human Genetics Tuebingen
Classification: Likely benign. Last evaluated: 2025-04-01. Review status: criteria provided, single submitter. Criteria: CeGaT Center For Human Genetics Tuebingen Variant Classification Criteria Version 2. Collection method: clinical testing. Allele origin: germline. Affected: yes. Observed: 1 variant allele.
Comment: CACNA1A: BP4, BP7

GeneDx
Classification: Likely benign. Last evaluated: 2021-02-12. Review status: criteria provided, single submitter. Criteria: GeneDx Variant Classification Process June 2021. Collection method: clinical testing. Allele origin: germline. Affected: yes.

NM_001127222.2(CACNA1A):c.4440C>T (p.Pro1480=)

Gene: CACNA1A (calcium voltage-gated channel subunit alpha1 A; minus strand). Cytogenetic location: 19p13.13.
Variant type: single nucleotide variant.
Coding change: c.4440C>T on transcript NM_001127222.2 (MANE Select); coding-DNA position 4440, C replaced by T.
Protein change: p.Pro1480=; no amino-acid change (proline 1480 retained).
Molecular consequence: synonymous variant.
Genome position (GRCh38, 1-based): chr19:13,257,500, G>A on the plus strand (C>T on the coding strand, the complement: CACNA1A is on the minus strand). VCF-style: chr19-13257500-G-A. GRCh37 (hg19) VCF-style: chr19-13368314-G-A.
Other names: c.4452C>T, p.Pro1484= (NM_000068.4, NM_023035.3); c.4443C>T, p.Pro1481= (NM_001127221.2, NM_001174080.2).
Identifiers: ClinVar variation 676093 (VCV000676093.21), dbSNP rs756711282, ClinGen allele CA9240009.